The following is an entry in ClinVar:

NM_014915.3(ANKRD26):c.1201A>G (p.Arg401Gly)

Gene: ANKRD26 (ankyrin repeat domain containing 26; minus strand). Cytogenetic location: 10p12.1.
Variant type: single nucleotide variant.
Coding change: c.1201A>G on transcript NM_014915.3 (MANE Select); coding-DNA position 1201, A replaced by G.
Protein change: p.Arg401Gly; replaces arginine 401 with glycine.
Molecular consequence: missense variant.
Genome position (GRCh38, 1-based): chr10:27,067,163, T>C on the plus strand (A>G on the coding strand, the complement: ANKRD26 is on the minus strand). VCF-style: chr10-27067163-T-C. GRCh37 (hg19) VCF-style: chr10-27356092-T-C.
Other names: c.1201A>G, p.Arg401Gly (NM_001256053.2); short protein forms R401G.
Identifiers: ClinVar variation 3914863 (VCV003914863.1).

ClinVar aggregate classification (germline): Uncertain significance (1 of 4 stars; one submission).

Conditions:
Inborn genetic diseases. Identifiers: MedGen C0950123, MeSH D030342.

Submission:

Ambry Genetics
Classification: Uncertain significance for Inborn genetic diseases. Last evaluated: 2025-05-27. Review status: criteria provided, single submitter. Criteria: Ambry Variant Classification Scheme 2023. Collection method: clinical testing. Allele origin: germline.
Comment: The p.R401G variant (also known as c.1201A>G), located in coding exon 10 of the ANKRD26 gene, results from an A to G substitution at nucleotide position 1201. The arginine at codon 401 is replaced by glycine, an amino acid with dissimilar properties. This amino acid position is conserved. In addition, this alteration is predicted to be tolerated by in silico analysis. Based on the available evidence, the clinical significance of this variant remains unclear.